The following is an entry in ClinVar:

ClinVar aggregate classification (germline): Uncertain significance (1 of 4 stars; one submission).

Allele frequency attached by ClinVar (database versions not stated): 1000 Genomes Project 30x 0.00016.
gnomAD v4.1: 27 of 697,638 alleles (0.0039%); highest among the groups gnomAD compares: South Asian, 0.0074%; no homozygotes.

Submission:

Labcorp Genetics (formerly Invitae), Labcorp
Classification: Uncertain significance. Last evaluated: 2022-09-27. Review status: criteria provided, single submitter. Criteria: Invitae Variant Classification Sherloc (09022015). Collection method: clinical testing. Allele origin: germline.
Comment: This variant occurs in the RNU4ATAC gene, which encodes an RNA molecule that does not result in a protein product. This variant is present in population databases (no rsID available, gnomAD 0.007%). This variant has not been reported in the literature in individuals affected with RNU4ATAC-related conditions. Experimental studies and prediction algorithms are not available or were not evaluated, and the functional significance of this variant is currently unknown. In summary, the available evidence is currently insufficient to determine the role of this variant in disease. Therefore, it has been classified as a Variant of Uncertain Significance.

NC_000002.12:g.121530906A>G

Genes: CLASP1 (cytoplasmic linker associated protein 1; minus strand), CLASP1-AS1 (CLASP1 antisense RNA 1; plus strand), RNU4ATAC (RNA, U4atac small nuclear; plus strand). Cytogenetic location: 2q14.2.
Variant type: single nucleotide variant.
Molecular consequence: intron variant (on NM_001395891.1).
Genome position: GRCh38 VCF-style: chr2-121530906-A-G. GRCh37 (hg19) VCF-style: chr2-122288482-A-G.
Other names: c.196-581T>C (NM_001395891.1, NM_001378004.1, NM_001142273.2 and 5 more transcripts).
Identifiers: ClinVar variation 1914210 (VCV001914210.2), dbSNP rs915710819, ClinGen allele CA54810800.